The following is an entry in ClinVar:

ClinVar aggregate classification (germline): Benign/Likely benign. Review status: criteria provided, multiple submitters, no conflicts (2 of 4 stars). 5 submissions from 5 submitters: Benign (2); Likely benign (3). Last evaluated 2025-12-15.

Allele frequency attached by ClinVar (database versions not stated): gnomAD exomes 0.00086; ExAC 0.00101; ESP Exome Variant Server 0.00315; TOPMed 0.00365; gnomAD 0.00374 and 0.00398; 1000 Genomes Project 30x 0.00390; 1000 Genomes Project 0.00399.
gnomAD v4.1: 1,073 of 1,614,076 alleles (0.066%); highest among the groups gnomAD compares: African/African-American, 1.3%; 10 homozygotes.

Submissions (5):

Labcorp Genetics (formerly Invitae), Labcorp
Classification: Benign. Last evaluated: 2025-12-15. Review status: criteria provided, single submitter. Criteria: Invitae Variant Classification Sherloc (09022015). Collection method: clinical testing. Allele origin: germline.

CeGaT Center for Human Genetics Tuebingen
Classification: Likely benign. Last evaluated: 2025-08-01. Review status: criteria provided, single submitter. Criteria: CeGaT Center For Human Genetics Tuebingen Variant Classification Criteria Version 2. Collection method: clinical testing. Allele origin: germline. Affected: yes. Observed: 3 variant alleles.
Comment: HSPG2: BP4, BS1

ARUP Laboratories, Molecular Genetics and Genomics, ARUP Laboratories
Classification: Likely benign. Last evaluated: 2025-06-20. Review status: criteria provided, single submitter. Criteria: ARUP Molecular Germline Variant Investigation Process 2024. Collection method: clinical testing. Allele origin: germline.

Blueprint Genetics
Classification: Likely benign. Last evaluated: 2024-11-26. Review status: criteria provided, single submitter. Criteria: ACMG Guidelines, 2015. Collection method: clinical testing. Allele origin: germline.

GeneDx
Classification: Benign. Last evaluated: 2019-03-21. Review status: criteria provided, single submitter. Criteria: GeneDx Variant Classification Process June 2021. Collection method: clinical testing. Allele origin: germline. Affected: yes.

NM_005529.7(HSPG2):c.789G>A (p.Met263Ile)

Gene: HSPG2 (heparan sulfate proteoglycan 2; minus strand). Cytogenetic location: 1p36.12.
Variant type: single nucleotide variant.
Coding change: c.789G>A on transcript NM_005529.7 (MANE Select); coding-DNA position 789, G replaced by A.
Protein change: p.Met263Ile; replaces methionine 263 with isoleucine.
Molecular consequence: missense variant.
Genome position (GRCh38, 1-based): chr1:21,887,589, C>T on the plus strand (G>A on the coding strand, the complement: HSPG2 is on the minus strand). VCF-style: chr1-21887589-C-T. GRCh37 (hg19) VCF-style: chr1-22214082-C-T.
Other names: c.789G>A, p.Met263Ile (NM_001291860.2); short protein forms M263I.
Identifiers: ClinVar variation 724969 (VCV000724969.38), dbSNP rs142194150, ClinGen allele CA673699.